The following is an entry in ClinVar:

NM_001743.6(CALM2):c.-4C>T

Gene: CALM2 (calmodulin 2; minus strand). Cytogenetic location: 2p21.
Variant type: single nucleotide variant.
Coding change: c.-4C>T on transcript NM_001743.6 (MANE Select); 4 bases upstream of the start codon, C replaced by T.
Molecular consequence: 5 prime UTR variant. On other transcripts: missense variant (1), intron variant (1).
Genome position (GRCh38, 1-based): chr2:47,176,447, G>A on the plus strand (C>T on the coding strand, the complement: CALM2 is on the minus strand). VCF-style: chr2-47176447-G-A. GRCh37 (hg19) VCF-style: chr2-47403586-G-A.
Other names: c.95C>T, p.Ala32Val (NM_001305624.1); c.-106+402C>T (NM_001305625.2); short protein forms A32V.
Identifiers: ClinVar variation 2625220 (VCV002625220.3), dbSNP rs2465743895, ClinGen allele CA346722495.

ClinVar aggregate classification (germline): Uncertain significance. Review status: criteria provided, multiple submitters, no conflicts (2 of 4 stars). 2 submissions from 2 submitters: Uncertain significance (2). Last evaluated 2024-06-10.

Conditions:
Cardiovascular phenotype. Identifiers: MedGen CN230736.

gnomAD v4.1: 4 of 1,613,554 alleles (0.00025%); highest among the groups gnomAD compares: East Asian, 0.0022%; no homozygotes.

Submissions (2):

GeneDx
Classification: Uncertain significance. Last evaluated: 2024-06-10. Review status: criteria provided, single submitter. Criteria: GeneDx Variant Classification Process June 2021. Collection method: clinical testing. Allele origin: germline. Affected: yes.
Comment: Not observed at significant frequency in large population cohorts (gnomAD); Has not been previously published as pathogenic or benign to our knowledge; Alters the Kozak sequence, which plays a major role in the initiation of translation

Ambry Genetics
Classification: Uncertain significance for Cardiovascular phenotype. Last evaluated: 2023-08-03. Review status: criteria provided, single submitter. Criteria: Ambry Variant Classification Scheme 2023. Collection method: clinical testing. Allele origin: germline.
Comment: The c.-4C>T variant is located in the 5' untranslated region (5&rsquo; UTR) of the CALM2 gene. This variant results from a C to T substitution 4 bases upstream from the first translated codon. This nucleotide position is highly conserved in available vertebrate species. Since supporting evidence is limited at this time, the clinical significance of this alteration remains unclear.